The following is an entry in ClinVar:

ClinVar aggregate classification (germline): Uncertain significance (1 of 4 stars; one submission).

Conditions:
Retinitis pigmentosa (RP). Identifiers: Orphanet 791, MedGen C0035334, MeSH D012174, MONDO:0019200, OMIM 268000. Inheritance: Autosomal dominant, autosomal recessive and X linked inheritance.

Submission:

SN ONGC Dept of Genetics and Molecular biology Vision Research Foundation
Classification: Uncertain significance for Retinitis pigmentosa. Last evaluated: 2024-11-30. Review status: criteria provided, single submitter. Criteria: ACMG Guidelines, 2015. Collection method: research. Allele origin: unknown. Inheritance: Autosomal recessive inheritance. Affected: yes. Observed: 1 compound heterozygote.
Comment: This 5'UTR variant is not present in either the ExAC or 1000 Genomes datasets and was also absent in a screening of 100 controls. No functional studies have been reported for this variant. Therefore, the clinical significance of this variant is currently unknown, and it is classified as a variant of uncertain significance.

NM_001005484.2(OR4F5):c.9+1354del

Gene: OR4F5 (olfactory receptor family 4 subfamily F member 5; plus strand). Cytogenetic location: 1p36.33.
Variant type: Deletion.
Coding change: c.9+1354del on transcript NM_001005484.2 (MANE Select); 1354 bases into the intron after coding-DNA position 9, one base deleted (G; older notation c.9+1354delG).
Molecular consequence: intron variant.
Genome position (GRCh38, 1-based): chr1:66,927, G deleted. VCF-style (leftmost placement, unchanged base first): chr1-66926-AG-A. GRCh37 (hg19) VCF-style: chr1-66926-AG-A.
Identifiers: ClinVar variation 3385321 (VCV003385321.2).
Genomic context (GRCh38, chr1:66,926, plus strand): 5'-GCAGCACAAATTCAGGAGAGAGATGTCTTAACTACGTTAGCAAGAAATTCCTTTTGCTAA[AG>A]AATAGCATTCCTGAATTCTTACTAACAGCCATGATAGAAAGTCTTTTGCTACAGATGAGA-3'